The following is an entry in ClinVar:

NM_001036.6(RYR3):c.2693A>G (p.Asn898Ser)

Gene: RYR3 (ryanodine receptor 3; plus strand). Cytogenetic location: 15q14.
Variant type: single nucleotide variant.
Coding change: c.2693A>G on transcript NM_001036.6 (MANE Select); coding-DNA position 2693, A replaced by G.
Protein change: p.Asn898Ser; replaces asparagine 898 with serine.
Molecular consequence: missense variant.
Genome position (GRCh38, 1-based): chr15:33,629,953, A>G. VCF-style: chr15-33629953-A-G. GRCh37 (hg19) VCF-style: chr15-33922154-A-G.
Other names: c.2693A>G, p.Asn898Ser (NM_001243996.4); short protein forms N898S.
Identifiers: ClinVar variation 461896 (VCV000461896.13), dbSNP rs2229119, ClinGen allele CA7458513.

ClinVar aggregate classification (germline): Benign/Likely benign. Review status: criteria provided, multiple submitters, no conflicts (2 of 4 stars). 3 submissions from 3 submitters: Benign (2); Likely benign (1). Last evaluated 2025-02-27.

Conditions:
RYR3-related disorder. Also called: RYR3-related condition.
Epileptic encephalopathy. Identifiers: MedGen C0543888, HP:0200134.

Allele frequency attached by ClinVar (database versions not stated): 1000 Genomes Project 30x 0.00047; 1000 Genomes Project 0.00060; ESP Exome Variant Server 0.00075; TOPMed 0.00096; gnomAD 0.00148 and 0.00155; gnomAD exomes 0.00154 and 0.00164; ExAC 0.00190.
gnomAD v4.1: 2,565 of 1,599,656 alleles (0.16%); highest among the groups gnomAD compares: Non-Finnish European, 0.16%; 3 homozygotes.

Submissions (3):

PreventionGenetics, part of Exact Sciences
Classification: Benign for RYR3-related condition. Last evaluated: 2025-02-27. Review status: criteria provided, single submitter. Criteria: ACMG Guidelines, 2015. Collection method: clinical testing. Allele origin: germline.
Comment: This variant is classified as benign based on ACMG/AMP sequence variant interpretation guidelines (Richards et al. 2015 PMID: 25741868, with internal and published modifications).

Blueprint Genetics
Classification: Likely benign. Last evaluated: 2024-11-25. Review status: criteria provided, single submitter. Criteria: ACMG Guidelines, 2015. Collection method: clinical testing. Allele origin: germline.

Labcorp Genetics (formerly Invitae), Labcorp
Classification: Benign for Epileptic encephalopathy. Last evaluated: 2024-10-15. Review status: criteria provided, single submitter. Criteria: Invitae Variant Classification Sherloc (09022015). Collection method: clinical testing. Allele origin: germline.